The following is an entry in ClinVar:

ClinVar aggregate classification (germline): Uncertain significance. Review status: criteria provided, multiple submitters, no conflicts (2 of 4 stars). 5 submissions from 5 submitters: Uncertain significance (5). Last evaluated 2025-12-15.

Conditions:
Hereditary cancer-predisposing syndrome. Also called: Neoplastic Syndromes, Hereditary; Hereditary Cancer Syndrome; Hereditary neoplastic syndrome; Tumor predisposition. Identifiers: Orphanet 140162, MedGen C0027672, MeSH D009386, MONDO:0015356.
Multiple endocrine neoplasia, type 2 (MEN2). Identifiers: Orphanet 653, MedGen C4048306, MONDO:0019003. Disease mechanism: gain of function.
Hirschsprung disease, susceptibility to, 1 (HSCR1). Also called: RET-Related Hirschsprung Disease. Identifiers: Orphanet 388, MedGen C3888239, MONDO:0007723, OMIM 142623.

Allele frequency attached by ClinVar (database versions not stated): gnomAD exomes 0.00001; ExAC 0.00002.
gnomAD v4.1: 20 of 1,608,030 alleles (0.0012%); highest among the groups gnomAD compares: South Asian, 0.016%; no homozygotes.

Submissions (5):

Labcorp Genetics (formerly Invitae), Labcorp
Classification: Uncertain significance for Multiple endocrine neoplasia, type 2. Last evaluated: 2025-12-15. Review status: criteria provided, single submitter. Criteria: Invitae Variant Classification Sherloc (09022015). Collection method: clinical testing. Allele origin: germline.
Comment: This sequence change replaces arginine, which is basic and polar, with cysteine, which is neutral and slightly polar, at codon 635 of the RET protein (p.Arg635Cys). The frequency data for this variant in the population databases is considered unreliable, as metrics indicate poor data quality at this position in the gnomAD database. This missense change has been observed in individual(s) with congenital anomalies of the kidney and urinary tract and pheochromocytoma (PMID: 24449676, 28566479). ClinVar contains an entry for this variant (Variation ID: 477333). An algorithm developed to predict the effect of missense changes on protein structure and function (PolyPhen-2) suggests that this variant is likely to be tolerated. In summary, the available evidence is currently insufficient to determine the role of this variant in disease. Therefore, it has been classified as a Variant of Uncertain Significance.

Ambry Genetics
Classification: Uncertain significance for Hereditary cancer-predisposing syndrome. Last evaluated: 2025-09-10. Review status: criteria provided, single submitter. Criteria: Ambry Variant Classification Scheme 2023. Collection method: clinical testing. Allele origin: germline.
Comment: The p.R635C variant (also known as c.1903C>T), located in coding exon 11 of the RET gene, results from a C to T substitution at nucleotide position 1903. The arginine at codon 635 is replaced by cysteine, an amino acid with highly dissimilar properties. This alteration was reported in an individual diagnosed with isolated unilateral pheochromocytoma and in an individual with unilateral renal agenesis (Huguet I et al. Endocr Pract, 2014 Apr;20:e65-8; Heidet L et al. J. Am. Soc. Nephrol., 2017 Oct;28:2901-2914). This variant was detected as heterozygous in individual(s) with no reported features of RET-associated disease (Ambry internal data). This amino acid position is not well conserved in available vertebrate species. In addition, this alteration is predicted to be deleterious by in silico analysis. Based on the available evidence, the clinical significance of this variant remains unclear.

Color Diagnostics, LLC DBA Color Health
Classification: Uncertain significance for Multiple endocrine neoplasia, type 2. Last evaluated: 2025-07-29. Review status: criteria provided, single submitter. Criteria: ACMG Guidelines, 2015. Collection method: clinical testing. Allele origin: germline.
Comment: This missense variant replaces arginine with cysteine at codon 635 of the RET protein. Computational prediction is inconclusive regarding the impact of this variant on protein structure and function. To our knowledge, functional studies have not been reported for this variant. This variant has been reported in an individual affected with pheochromocytoma and hyperparathyroidism, as well as in an asymptomatic young adult relative (PMID: 24449676). This variant has been identified in 2/247726 chromosomes in the general population by the Genome Aggregation Database (gnomAD). The available evidence is insufficient to determine the role of this variant in disease conclusively. Therefore, this variant is classified as a Variant of Uncertain Significance.

GeneDx
Classification: Uncertain significance. Last evaluated: 2024-07-12. Review status: criteria provided, single submitter. Criteria: GeneDx Variant Classification Process June 2021. Collection method: clinical testing. Allele origin: germline. Affected: yes.
Comment: Not observed at significant frequency in large population cohorts (gnomAD); In silico analysis supports that this missense variant has a deleterious effect on protein structure/function; This variant is associated with the following publications: (PMID: 14633923, 25725622, 24449676, 28566479)

Baylor Genetics
Classification: Uncertain significance for Hirschsprung disease, susceptibility to, 1. Last evaluated: 2023-07-14. Review status: criteria provided, single submitter. Criteria: ACMG Guidelines, 2015. Collection method: clinical testing. Allele origin: unknown.

Literature cited by the submitters: PubMed 24449676 (cited by 3 submitters); PubMed 28566479 (cited by Labcorp Genetics (formerly Invitae), Labcorp and Ambry Genetics); PubMed 25725622 (cited by Ambry Genetics).

NM_020975.6(RET):c.1903C>T (p.Arg635Cys)

Gene: RET (ret proto-oncogene; plus strand). Cytogenetic location: 10q11.21.
Variant type: single nucleotide variant.
Coding change: c.1903C>T on transcript NM_020975.6 (MANE Select); coding-DNA position 1903, C replaced by T.
Protein change: p.Arg635Cys; replaces arginine 635 with cysteine.
Molecular consequence: missense variant.
Genome position (GRCh38, 1-based): chr10:43,114,503, C>T. VCF-style: chr10-43114503-C-T. GRCh37 (hg19) VCF-style: chr10-43609951-C-T.
Other names: c.1903C>T, p.Arg635Cys (NM_000323.2, NM_001406743.1, NM_001406744.1 and 4 more transcripts); c.1141C>T, p.Arg381Cys (NM_001355216.2); c.1774C>T, p.Arg592Cys (NM_001406761.1, NM_001406762.1, NM_001406764.1); c.1615C>T, p.Arg539Cys (NM_001406766.1, NM_001406767.1, NM_001406770.1); c.1507C>T, p.Arg503Cys (NM_001406769.1, NM_001406772.1); c.1465C>T, p.Arg489Cys (NM_001406771.1, NM_001406773.1); c.1378C>T, p.Arg460Cys (NM_001406774.1); c.1177C>T, p.Arg393Cys (NM_001406775.1, NM_001406776.1, NM_001406777.1 and 1 more transcripts); and 7 more; short protein forms R635C, R381C, R240C, R296C, R336C, R489C, R293C, R393C.
Identifiers: ClinVar variation 477333 (VCV000477333.55), dbSNP rs377767410, ClinGen allele CA036464.
Genomic context (GRCh38, chr10:43,114,503, plus strand): 5'-CTGGCGGTGCCAAGCCTCACACCACCCCCACCCACAGATCCACTGTGCGACGAGCTGTGC[C>T]GCACGGTGATCGCAGCCGCTGTCCTCTTCTCCTTCATCGTCTCGGTGCTGCTGTCTGCCT-3'
Protein context (NP_066124.1, residues 625-645): IQDPLCDELC[Arg635Cys]TVIAAAVLFS